The following is an entry in ClinVar:

NM_025137.4(SPG11):c.3814A>G (p.Met1272Val)

Gene: SPG11 (SPG11 vesicle trafficking associated, spatacsin; minus strand). Cytogenetic location: 15q21.1.
Variant type: single nucleotide variant.
Coding change: c.3814A>G on transcript NM_025137.4 (MANE Select); coding-DNA position 3814, A replaced by G.
Protein change: p.Met1272Val; replaces methionine 1272 with valine.
Molecular consequence: missense variant.
Genome position (GRCh38, 1-based): chr15:44,598,709, T>C on the plus strand (A>G on the coding strand, the complement: SPG11 is on the minus strand). VCF-style: chr15-44598709-T-C. GRCh37 (hg19) VCF-style: chr15-44890907-T-C.
Other names: c.3814A>G, p.Met1272Val (NM_001160227.2); short protein forms M1272V.
Identifiers: ClinVar variation 1045668 (VCV001045668.6), dbSNP rs2083107613, ClinGen allele CA392230087.

ClinVar aggregate classification (germline): Uncertain significance (1 of 4 stars; one submission).

Conditions:
Hereditary spastic paraplegia 11. Also called: Spastic paraplegia, mental retardation and thin corpus callosum; SPASTIC PARAPLEGIA, AUTOSOMAL RECESSIVE, COMPLICATED, WITH THIN CORPUS CALLOSUM; SPASTIC PARAPLEGIA, AUTOSOMAL RECESSIVE, WITH MENTAL IMPAIRMENT AND THIN CORPUS CALLOSUM; Spastic Paraplegia 11; Nakamura Osame syndrome; Autosomal recessive hereditary spastic paraplegia, mental impairment, and thin corpus callosum. Identifiers: Orphanet 2822, MedGen C1858479, MONDO:0011445, OMIM 604360.

Submission:

Labcorp Genetics (formerly Invitae), Labcorp
Classification: Uncertain significance for Hereditary spastic paraplegia 11. Last evaluated: 2021-08-20. Review status: criteria provided, single submitter. Criteria: Invitae Variant Classification Sherloc (09022015). Collection method: clinical testing. Allele origin: germline.
Comment: This sequence change replaces methionine with valine at codon 1272 of the SPG11 protein (p.Met1272Val). The methionine residue is moderately conserved and there is a small physicochemical difference between methionine and valine. This variant is not present in population databases (ExAC no frequency). This variant has not been reported in the literature in individuals affected with SPG11-related conditions. Algorithms developed to predict the effect of missense changes on protein structure and function (SIFT, PolyPhen-2, Align-GVGD) all suggest that this variant is likely to be tolerated. In summary, the available evidence is currently insufficient to determine the role of this variant in disease. Therefore, it has been classified as a Variant of Uncertain Significance.